The following is an entry in ClinVar:

ClinVar aggregate classification (germline): Conflicting classifications of pathogenicity. Review status: criteria provided, conflicting classifications (1 of 4 stars). 2 submissions from 2 submitters: Likely pathogenic (1); Uncertain significance (1). Last evaluated 2022-10-07.

Conditions:
Wilms tumor 1 (WT1). Also called: Wilms tumor, somatic. Identifiers: Orphanet 654, MedGen CN033288, MONDO:0008679, OMIM 194070.
Breast-ovarian cancer, familial, susceptibility to, 2 (BROVCA2). Also called: BRCA2 Hereditary Breast and Ovarian Cancer. Identifiers: Orphanet 145, MedGen C2675520, MONDO:0012933, OMIM 612555. Disease mechanism: loss of function.
Glioma susceptibility 3 (GLM3). Also called: Glioblastoma 3. Identifiers: Orphanet 182067, Orphanet 360, MedGen C2751641, MONDO:0013093, OMIM 613029.
Pancreatic cancer, susceptibility to, 2. Identifiers: Orphanet 1333, MedGen C3150546, MONDO:0013235, OMIM 613347.
Familial prostate cancer. Also called: Hereditary Prostate Cancer. Identifiers: MedGen C2931456, MONDO:0700275, OMIM 176807.
Medulloblastoma (MDB). Also called: Medulloblastoma, somatic; MEDULLOBLASTOMA PREDISPOSITION SYNDROME. Identifiers: Orphanet 616, MedGen C0025149, MeSH D008527, MONDO:0007959, OMIM 155255, HP:0002885.
Fanconi anemia complementation group D1. Also called: BRCA2-Related Fanconi Anemia. Identifiers: Orphanet 319462, MedGen C1838457, MONDO:0011584, OMIM 605724.
Familial cancer of breast. Also called: BREAST CANCER, FAMILIAL; Hereditary breast cancer; hereditary breast carcinoma. Identifiers: Orphanet 227535, MedGen C0346153, MONDO:0016419, OMIM 114480. Disease mechanism: loss of function.
Hereditary cancer-predisposing syndrome. Also called: Hereditary Cancer Syndrome; Hereditary neoplastic syndrome; Tumor predisposition; Neoplastic Syndromes, Hereditary. Identifiers: Orphanet 140162, MedGen C0027672, MeSH D009386, MONDO:0015356.

Allele frequency attached by ClinVar (database versions not stated): gnomAD exomes below 0.00001.
gnomAD v4.1: 1 of 1,614,020 alleles (0.000062%); highest among the groups gnomAD compares: Non-Finnish European, 0.000085%; no homozygotes.

Submissions (2):

Ambry Genetics
Classification: Uncertain significance for Hereditary cancer-predisposing syndrome. Last evaluated: 2022-10-07. Review status: criteria provided, single submitter. Criteria: Ambry Variant Classification Scheme 2023. Collection method: clinical testing. Allele origin: germline.
Comment: The c.8488-14A>G intronic variant results from an A to G substitution 14 nucleotides upstream from coding exon 19 in the BRCA2 gene. This nucleotide position is well conserved in available vertebrate species. RNA studies have shown this alteration to result in the inclusion of 13 nucleotides of the intronic region upstream of coding exon 19 and a subsequent frameshift in the transcript (Ambry internal data; Baert, A. et al. Hum Mutat 2018 04;39(4):515-526). In silico splice site analysis predicts that this alteration will weaken the native splice acceptor site and will result in the creation or strengthening of a novel splice acceptor site. Since supporting evidence is limited at this time, the clinical significance of this alteration remains unclear.

Department of Pathology and Laboratory Medicine, Sinai Health System
Classification: Likely pathogenic for Familial cancer of breast; Medulloblastoma; Familial prostate cancer; Wilms tumor 1; Fanconi anemia complementation group D1; Breast-ovarian cancer, familial, susceptibility to, 2; Glioma susceptibility 3; Pancreatic cancer, susceptibility to, 2. Review status: criteria provided, single submitter. Criteria: ACMG Guidelines, 2015. Collection method: clinical testing. Allele origin: germline.

Literature cited by the submitters: PubMed 29280214 (cited by Ambry Genetics).

NM_000059.4(BRCA2):c.8488-14A>G

Gene: BRCA2 (BRCA2 DNA repair associated; plus strand). Cytogenetic location: 13q13.1.
Variant type: single nucleotide variant.
Coding change: c.8488-14A>G on transcript NM_000059.4 (MANE Select); 14 bases into the intron before coding-DNA position 8488, A replaced by G.
Molecular consequence: intron variant.
Genome position (GRCh38, 1-based): chr13:32,370,942, A>G. VCF-style: chr13-32370942-A-G. GRCh37 (hg19) VCF-style: chr13-32945079-A-G.
Identifiers: ClinVar variation 1763555 (VCV001763555.3), dbSNP rs1555287728, ClinGen allele CA2082815184.